The following is an entry in ClinVar:

NM_005982.4(SIX1):c.767C>T (p.Pro256Leu)

Gene: SIX1 (SIX homeobox 1; minus strand). Cytogenetic location: 14q23.1.
Variant type: single nucleotide variant.
Coding change: c.767C>T on transcript NM_005982.4 (MANE Select); coding-DNA position 767, C replaced by T.
Protein change: p.Pro256Leu; replaces proline 256 with leucine.
Molecular consequence: missense variant. On other transcripts: 3 prime UTR variant (1).
Genome position (GRCh38, 1-based): chr14:60,646,371, G>A on the plus strand (C>T on the coding strand, the complement: SIX1 is on the minus strand). VCF-style: chr14-60646371-G-A. GRCh37 (hg19) VCF-style: chr14-61113089-G-A.
Other names: c.*186C>T (NM_001425142.1); short protein forms P256L.
Identifiers: ClinVar variation 4281761 (VCV004281761.2).

ClinVar aggregate classification (germline): Uncertain significance (1 of 4 stars; one submission).

Submission:

GeneDx
Classification: Uncertain significance. Last evaluated: 2026-05-12. Review status: criteria provided, single submitter. Criteria: GeneDx Variant Classification Process June 2021. Collection method: clinical testing. Allele origin: germline.
Comment: Not observed at significant frequency in large population cohorts (gnomAD); In silico analysis suggests that this missense variant does not alter protein structure/function; Has not been previously published as pathogenic or benign to our knowledge